The following is an entry in ClinVar:

ClinVar aggregate classification (germline): Benign/Likely benign. Review status: criteria provided, multiple submitters, no conflicts (2 of 4 stars). 4 submissions from 4 submitters: Benign (1); Likely benign (2). 1 of the submissions does not count toward it. Last evaluated 2026-02-01.

Conditions:
Combined immunodeficiency due to CTPS1 deficiency. Also called: Immunodeficiency 24; Severe combined immunodeficiency due to CTPS1 deficiency. Identifiers: Orphanet 420573, MedGen C4014617, MONDO:0014391, OMIM 615897.

Allele frequency attached by ClinVar (database versions not stated): gnomAD exomes 0.00069; ExAC 0.00077; 1000 Genomes Project 0.00260; 1000 Genomes Project 30x 0.00265; gnomAD 0.00272 and 0.00296; ESP Exome Variant Server 0.00292; TOPMed 0.00328.
gnomAD v4.1: 841 of 1,585,082 alleles (0.053%); highest among the groups gnomAD compares: African/African-American, 0.99%; 2 homozygotes.

Submissions (4):

Labcorp Genetics (formerly Invitae), Labcorp
Classification: Benign for Combined immunodeficiency due to CTPS1 deficiency. Last evaluated: 2026-02-01. Review status: criteria provided, single submitter. Criteria: Invitae Variant Classification Sherloc (09022015). Collection method: clinical testing. Allele origin: germline.

Mayo Clinic Laboratories, Mayo Clinic
Classification: Likely benign. Last evaluated: 2025-03-04. Review status: criteria provided, single submitter. Criteria: ACMG Guidelines, 2015. Collection method: clinical testing. Allele origin: germline. Observed: 2 variant alleles.
Comment: BS1, BP4, BP7

Blueprint Genetics
Classification: Likely benign. Last evaluated: 2024-11-25. Review status: criteria provided, single submitter. Criteria: ACMG Guidelines, 2015. Collection method: clinical testing. Allele origin: germline.

Genetic Services Laboratory, University of Chicago
Classification: Likely benign. Last evaluated: 2022-07-19. Review status: no assertion criteria provided. Collection method: clinical testing. Allele origin: germline. Affected: no. Not counted in ClinVar's aggregate classification.

NM_001905.4(CTPS1):c.570G>A (p.Gly190=)

Gene: CTPS1 (CTP synthase 1; plus strand). Cytogenetic location: 1p34.2.
Variant type: single nucleotide variant.
Coding change: c.570G>A on transcript NM_001905.4 (MANE Select); coding-DNA position 570, G replaced by A.
Protein change: p.Gly190=; no amino-acid change (glycine 190 retained).
Molecular consequence: synonymous variant. On other transcripts: non-coding transcript variant (1).
Genome position (GRCh38, 1-based): chr1:40,991,179, G>A. VCF-style: chr1-40991179-G-A. GRCh37 (hg19) VCF-style: chr1-41456851-G-A.
Other names: p.Gly190=; c.102G>A, p.Gly34= (NM_001301237.2).
Identifiers: ClinVar variation 784633 (VCV000784633.14), dbSNP rs116134285, ClinGen allele CA795300.
Genomic context (GRCh38, chr1:40,991,179, plus strand): 5'-TATCAGAGGGAAACTAACTTTTTTTTTTTTTTCTTTTGTGAAATAGCCAAGTTCAACAGG[G>A]GAACAGAAGACTAAACCTACCCAGAATAGTGTTCGGGAACTTAGAGGACTTGGGCTTTCC-3'
Protein context (NP_001896.2, residues 180-200): VSLVPQPSST[Gly190=]EQKTKPTQNS